The following is an entry in ClinVar:

ClinVar aggregate classification (germline): Uncertain significance (1 of 4 stars; one submission).

Submission:

Labcorp Genetics (formerly Invitae), Labcorp
Classification: Uncertain significance. Last evaluated: 2025-07-18. Review status: criteria provided, single submitter. Criteria: Invitae Variant Classification Sherloc (09022015). Collection method: clinical testing. Allele origin: germline.
Comment: This sequence change replaces arginine, which is basic and polar, with cysteine, which is neutral and slightly polar, at codon 258 of the PPP2R1A protein (p.Arg258Cys). This variant is not present in population databases (gnomAD no frequency). This variant has not been reported in the literature in individuals affected with PPP2R1A-related conditions. Invitae Evidence Modeling of protein sequence and biophysical properties (such as structural, functional, and spatial information, amino acid conservation, physicochemical variation, residue mobility, and thermodynamic stability) indicates that this missense variant is expected to disrupt PPP2R1A protein function with a positive predictive value of 80%. Algorithms developed to predict the effect of sequence changes on RNA splicing suggest that this variant may create or strengthen a splice site. This variant disrupts the p.Arg258 amino acid residue in PPP2R1A. Other variant(s) that disrupt this residue have been determined to be pathogenic (PMID: 26168268, 30755392, 32901917, 33106617). This suggests that this residue is clinically significant, and that variants that disrupt this residue are likely to be disease-causing. In summary, the available evidence is currently insufficient to determine the role of this variant in disease. Therefore, it has been classified as a Variant of Uncertain Significance.

Literature cited by the submitters: PubMed 26168268; PubMed 30755392; PubMed 32901917; PubMed 33106617.

NM_014225.6(PPP2R1A):c.772C>T (p.Arg258Cys)

Gene: PPP2R1A (protein phosphatase 2 scaffold subunit Aalpha; plus strand). Cytogenetic location: 19q13.41.
Variant type: single nucleotide variant.
Coding change: c.772C>T on transcript NM_014225.6 (MANE Select); coding-DNA position 772, C replaced by T.
Protein change: p.Arg258Cys; replaces arginine 258 with cysteine.
Molecular consequence: missense variant. On other transcripts: non-coding transcript variant (1).
Genome position (GRCh38, 1-based): chr19:52,213,075, C>T. VCF-style: chr19-52213075-C-T. GRCh37 (hg19) VCF-style: chr19-52716328-C-T.
Other names: c.235C>T, p.Arg79Cys (NM_001363656.2); short protein forms R79C, R258C.
Identifiers: ClinVar variation 4741215 (VCV004741215.1).